The following is an entry in ClinVar:

ClinVar aggregate classification (germline): Benign/Likely benign. Review status: criteria provided, multiple submitters, no conflicts (2 of 4 stars). 3 submissions from 3 submitters: Benign (1); Likely benign (2). Last evaluated 2026-07-13.

Conditions:
Hereditary cancer-predisposing syndrome. Also called: Neoplastic Syndromes, Hereditary; Tumor predisposition; Hereditary Cancer Syndrome; Hereditary neoplastic syndrome. Identifiers: Orphanet 140162, MedGen C0027672, MeSH D009386, MONDO:0015356.
Rhabdoid tumor predisposition syndrome 2 (RTPS2). Identifiers: Orphanet 231108, Orphanet 69077, MedGen C2750074, MONDO:0013224, OMIM 613325.

Allele frequency attached by ClinVar (database versions not stated): gnomAD exomes below 0.00001.
gnomAD v4.1: 1 of 1,614,140 alleles (0.000062%); highest among the groups gnomAD compares: Non-Finnish European, 0.000085%; no homozygotes.

Submissions (3):

Myriad Genetics, Inc.
Classification: Benign for Rhabdoid tumor predisposition syndrome 2. Last evaluated: 2026-07-13. Review status: criteria provided, single submitter. Criteria: Myriad Autosomal Dominant, Autosomal Recessive and X-Linked Classification Criteria (2023). Collection method: clinical testing. Allele origin: unknown.
Comment: This variant is considered benign. This variant is a silent/synonymous amino acid change and it is not expected to impact splicing.

Labcorp Genetics (formerly Invitae), Labcorp
Classification: Likely benign for Rhabdoid tumor predisposition syndrome 2. Last evaluated: 2026-01-13. Review status: criteria provided, single submitter. Criteria: Invitae Variant Classification Sherloc (09022015). Collection method: clinical testing. Allele origin: germline.

Ambry Genetics
Classification: Likely benign for Hereditary cancer-predisposing syndrome. Last evaluated: 2015-09-03. Review status: criteria provided, single submitter. Criteria: Ambry Variant Classification Scheme 2023. Collection method: clinical testing. Allele origin: germline.

NM_003072.5(SMARCA4):c.2301C>T (p.Ser767=)

Gene: SMARCA4 (SWI/SNF related BAF chromatin remodeling complex subunit ATPase 4; plus strand). Cytogenetic location: 19p13.2.
Variant type: single nucleotide variant.
Coding change: c.2301C>T on transcript NM_003072.5 (MANE Select); coding-DNA position 2301, C replaced by T.
Protein change: p.Ser767=; no amino-acid change (serine 767 retained).
Molecular consequence: synonymous variant. On other transcripts: non-coding transcript variant (1).
Genome position (GRCh38, 1-based): chr19:11,012,975, C>T. VCF-style: chr19-11012975-C-T. GRCh37 (hg19) VCF-style: chr19-11123651-C-T.
Other names: c.2301C>T, p.Ser767= (NM_001128844.3, NM_001128845.2, NM_001128846.2 and 5 more transcripts).
Identifiers: ClinVar variation 1646026 (VCV001646026.11), dbSNP rs1463234412, ClinGen allele CA505489755.
Genomic context (GRCh38, chr19:11,012,975, plus strand): 5'-TTCAGTCCTGGCGTGGCCGCATCTGTCCTTGCAGATCAAAGGTTTGGAGTGGCTGGTGTC[C>T]CTGTACAACAACAACCTGAACGGCATCCTGGCCGACGAGATGGGCCTGGGGAAGACCATC-3'
Protein context (NP_003063.2, residues 757-777): YQIKGLEWLV[Ser767=]LYNNNLNGIL